The following is an entry in ClinVar:

NM_000179.3(MSH6):c.1794A>C (p.Lys598Asn)

Gene: MSH6 (mutS homolog 6; plus strand). Cytogenetic location: 2p16.3.
Variant type: single nucleotide variant.
Coding change: c.1794A>C on transcript NM_000179.3 (MANE Select); coding-DNA position 1794, A replaced by C.
Protein change: p.Lys598Asn; replaces lysine 598 with asparagine.
Molecular consequence: missense variant. On other transcripts: non-coding transcript variant (4), intron variant (2).
Genome position (GRCh38, 1-based): chr2:47,799,777, A>C. VCF-style: chr2-47799777-A-C. GRCh37 (hg19) VCF-style: chr2-48026916-A-C.
Other names: c.1404A>C, p.Lys468Asn (NM_001281492.2); c.888A>C, p.Lys296Asn (NM_001281493.2, NM_001281494.2, NM_001406811.1 and 6 more transcripts); c.1890A>C, p.Lys630Asn (NM_001406795.1, NM_001406802.1); c.1794A>C, p.Lys598Asn (NM_001406796.1, NM_001406798.1, NM_001406800.1 and 3 more transcripts); c.1497A>C, p.Lys499Asn (NM_001406797.1, NM_001406801.1, NM_001406805.1 and 10 more transcripts); c.1269A>C, p.Lys423Asn (NM_001406799.1, NM_001406806.1, NM_001406807.1); c.1716A>C, p.Lys572Asn (NM_001406804.1); c.1800A>C, p.Lys600Asn (NM_001406813.1); and 3 more; short protein forms K296N, K423N, K468N, K499N, K542N, K572N, K598N, K600N.
Identifiers: ClinVar variation 2682020 (VCV002682020.1), dbSNP rs786201210, ClinGen allele CA346749310.

ClinVar aggregate classification (germline): Uncertain significance (1 of 4 stars; one submission).

Submission:

Quest Diagnostics Nichols Institute San Juan Capistrano
Classification: Uncertain significance. Last evaluated: 2023-04-20. Review status: criteria provided, single submitter. Criteria: Quest Diagnostics criteria. Collection method: clinical testing. Allele origin: unknown.
Comment: This variant has not been described in individuals affected with MSH6-related disease in online databases, and to the best of our knowledge, has not been reported in the published literature. It also has not been reported in large, multi-ethnic general populations. Analysis of this variant using bioinformatics tools for the prediction of the effect of amino acid changes on protein structure and function yielded conflicting predictions that this variant is uncertain or damaging. Another bioinformatic tool predicts the variant to have only a minor impact on the protein (PMID: 23621914 (2013)). Based on the available information, we are unable to determine the clinical significance of this variant.

Literature cited by the submitters: PubMed 23621914.